The following is an entry in ClinVar:

ClinVar aggregate classification (germline): Uncertain significance (1 of 4 stars; one submission).

Conditions:
Wilson disease (WND). Also called: Wilson's disease. Identifiers: Orphanet 905, MedGen C0019202, MONDO:0010200, OMIM 277900. Disease mechanism: loss of function.

Submission:

All of Us Research Program, National Institutes of Health
Classification: Uncertain significance for Wilson disease. Last evaluated: 2023-06-08. Review status: criteria provided, single submitter. Criteria: ACMG Guidelines, 2015. Collection method: clinical testing. Allele origin: germline. Inheritance: Autosomal recessive inheritance. Observed: 1 variant allele, 1 heterozygote.
Comment: This missense variant replaces leucine with phenylalanine at codon 605 of the ATP7B protein. Computational prediction suggests that this variant may not impact protein structure and function (internally defined REVEL score threshold <= 0.5, PMID: 27666373). To our knowledge, functional studies have not been reported for this variant. This variant has not been reported in individuals affected with ATP7B-related disorders in the literature. This variant has not been identified in the general population by the Genome Aggregation Database (gnomAD). The available evidence is insufficient to determine the role of this variant in disease conclusively. Therefore, this variant is classified as a Variant of Uncertain Significance.

This study involves interpretation of variants in research participants for the purpose of population health screening. Participant phenotype was not available at the time of variant classification. Additional details can be found in publication PMID: 35346344, PMCID: PMC8962531

NM_000053.4(ATP7B):c.1813C>T (p.Leu605Phe)

Gene: ATP7B (ATPase copper transporting beta; minus strand). Cytogenetic location: 13q14.3.
Variant type: single nucleotide variant.
Coding change: c.1813C>T on transcript NM_000053.4 (MANE Select); coding-DNA position 1813, C replaced by T.
Protein change: p.Leu605Phe; replaces leucine 605 with phenylalanine.
Molecular consequence: missense variant. On other transcripts: intron variant (3).
Genome position (GRCh38, 1-based): chr13:51,964,928, G>A on the plus strand (C>T on the coding strand, the complement: ATP7B is on the minus strand). VCF-style: chr13-51964928-G-A. GRCh37 (hg19) VCF-style: chr13-52539064-G-A.
Other names: c.1813C>T, p.Leu605Phe (NM_001406523.1, NM_001406522.1, NM_001406521.1 and 24 more transcripts); c.1707+3516C>T (NM_001406547.1, NM_001406545.1); c.1285+9007C>T (NM_001406548.1); c.1780C>T, p.Leu594Phe (NM_001406524.1, NM_001406514.1); c.1717C>T, p.Leu573Phe (NM_001406530.1, NM_001406517.1, NM_001406518.1 and 3 more transcripts); c.1480C>T, p.Leu494Phe (NM_001243182.2); c.1384C>T, p.Leu462Phe (NM_001406539.1); short protein forms L462F, L494F, L573F, L594F, L605F.
Identifiers: ClinVar variation 3071537 (VCV003071537.1), dbSNP rs2547752836, ClinGen allele CA388030294.